The following is an entry in ClinVar:

ClinVar aggregate classification (germline): Uncertain significance (1 of 4 stars; one submission).

Submission:

GeneDx
Classification: Uncertain significance. Last evaluated: 2025-04-05. Review status: criteria provided, single submitter. Criteria: GeneDx Variant Classification Process June 2021. Collection method: clinical testing. Allele origin: germline. Affected: yes.
Comment: Not observed at significant frequency in large population cohorts (gnomAD); In silico analysis supports that this missense variant has a deleterious effect on protein structure/function; Has not been previously published as pathogenic or benign to our knowledge

NM_014458.4(KLHL20):c.1279C>T (p.Leu427Phe)

Gene: KLHL20 (kelch like family member 20; plus strand). Cytogenetic location: 1q25.1.
Variant type: single nucleotide variant.
Coding change: c.1279C>T on transcript NM_014458.4 (MANE Select); coding-DNA position 1279, C replaced by T.
Protein change: p.Leu427Phe; replaces leucine 427 with phenylalanine.
Molecular consequence: missense variant.
Genome position (GRCh38, 1-based): chr1:173,766,273, C>T. VCF-style: chr1-173766273-C-T. GRCh37 (hg19) VCF-style: chr1-173735412-C-T.
Other names: short protein forms L427F.
Identifiers: ClinVar variation 4278815 (VCV004278815.1).
Genomic context (GRCh38, chr1:173,766,273, plus strand): 5'-GGTGTAGCAGTACTTGGAGGCTTTCTTTATGCTGTGGGTGGCCAGGATGGTGTGTCTTGC[C>T]TCAACATTGTTGAGAGGTGATCTTTTTTTTAAGTCATTTTCCGTATTTTTATTTTAAAGA-3'
Protein context (NP_055273.2, residues 417-437): AVGGQDGVSC[Leu427Phe]NIVERYDPKE